The following is an entry in ClinVar:

ClinVar aggregate classification (germline): Benign/Likely benign. Review status: criteria provided, multiple submitters, no conflicts (2 of 4 stars). 2 submissions from 2 submitters: Benign (1); Likely benign (1). Last evaluated 2026-08-01.

gnomAD v4.1: 148 of 1,613,986 alleles (0.0092%); highest among the groups gnomAD compares: Non-Finnish European, 0.011%; no homozygotes.

Submissions (2):

CeGaT Center for Human Genetics Tuebingen
Classification: Likely benign. Last evaluated: 2026-08-01. Review status: criteria provided, single submitter. Criteria: CeGaT Center For Human Genetics Tuebingen Variant Classification Criteria Version 2. Collection method: clinical testing. Allele origin: germline. Affected: yes. Observed: 1 variant allele.
Comment: SETBP1: BP4

Labcorp Genetics (formerly Invitae), Labcorp
Classification: Benign. Last evaluated: 2026-01-26. Review status: criteria provided, single submitter. Criteria: Invitae Variant Classification Sherloc (09022015). Collection method: clinical testing. Allele origin: germline.

NM_015559.3(SETBP1):c.691G>A (p.Val231Ile)

Gene: SETBP1 (SET binding protein 1; plus strand). Cytogenetic location: 18q12.3.
Variant type: single nucleotide variant.
Coding change: c.691G>A on transcript NM_015559.3 (MANE Select); coding-DNA position 691, G replaced by A.
Protein change: p.Val231Ile; replaces valine 231 with isoleucine.
Molecular consequence: missense variant.
Genome position (GRCh38, 1-based): chr18:44,950,031, G>A. VCF-style: chr18-44950031-G-A. GRCh37 (hg19) VCF-style: chr18-42529996-G-A.
Other names: c.691G>A, p.Val231Ile (NM_001379141.1, NM_001379142.1); short protein forms V231I.
Identifiers: ClinVar variation 1599650 (VCV001599650.9), dbSNP rs11082414, ClinGen allele CA8945486.